The following is an entry in ClinVar:

NM_002528.7(NTHL1):c.242_256del (p.Pro81_Gln85del)

Gene: NTHL1 (nth like DNA glycosylase 1; minus strand). Cytogenetic location: 16p13.3.
Variant type: Deletion.
Coding change: c.242_256del on transcript NM_002528.7 (MANE Select); coding-DNA positions 242 to 256, 15 bases deleted (CCCAGGACTGGCAGC).
Protein change: p.Pro81_Gln85del.
Molecular consequence: inframe deletion. On other transcripts: intron variant (1).
Genome position (GRCh38, 1-based): chr16:2,046,226-2,046,240, GCTGCCAGTCCTGGG deleted on the plus strand (CCCAGGACTGGCAGC on the coding strand, the reverse complement: NTHL1 is on the minus strand); deleting any 15 consecutive bases within chr16:2,046,226-2,046,243 gives the same sequence; the c. name uses the placement nearest the transcript's 3' end. VCF-style (leftmost placement, unchanged base first): chr16-2046225-TGCTGCCAGTCCTGGG-T. GRCh37 (hg19) VCF-style: chr16-2096226-TGCTGCCAGTCCTGGG-T.
Other names: c.242_256del, p.Pro81_Gln85del (NM_001318193.2); c.24+40_24+54del (NM_001318194.2).
Identifiers: ClinVar variation 4700417 (VCV004700417.1).

ClinVar aggregate classification (germline): Uncertain significance (1 of 4 stars; one submission).

Submission:

Labcorp Genetics (formerly Invitae), Labcorp
Classification: Uncertain significance. Last evaluated: 2025-11-16. Review status: criteria provided, single submitter. Criteria: Invitae Variant Classification Sherloc (09022015). Collection method: clinical testing. Allele origin: germline.
Comment: This variant, c.266_280del, results in the deletion of 5 amino acid(s) of the NTHL1 protein (p.Pro89_Gln93del), but otherwise preserves the integrity of the reading frame. This variant is not present in population databases (gnomAD no frequency). This variant has not been reported in the literature in individuals affected with NTHL1-related conditions. Experimental studies and prediction algorithms are not available or were not evaluated, and the functional significance of this variant is currently unknown. In summary, the available evidence is currently insufficient to determine the role of this variant in disease. Therefore, it has been classified as a Variant of Uncertain Significance.